The following is an entry in ClinVar:

ClinVar aggregate classification (germline): Conflicting classifications of pathogenicity. Review status: criteria provided, conflicting classifications (1 of 4 stars). 2 submissions from 2 submitters: Likely pathogenic (1); Uncertain significance (1). Last evaluated 2024-01-30.

Conditions:
Hereditary cancer-predisposing syndrome. Also called: Neoplastic Syndromes, Hereditary; Hereditary Cancer Syndrome; Tumor predisposition; Hereditary neoplastic syndrome. Identifiers: Orphanet 140162, MedGen C0027672, MeSH D009386, MONDO:0015356.
Rhabdoid tumor predisposition syndrome 2 (RTPS2). Identifiers: Orphanet 231108, Orphanet 69077, MedGen C2750074, MONDO:0013224, OMIM 613325.

Submissions (2):

Ambry Genetics
Classification: Uncertain significance for Hereditary cancer-predisposing syndrome. Last evaluated: 2024-01-30. Review status: criteria provided, single submitter. Criteria: Ambry Variant Classification Scheme 2023. Collection method: clinical testing. Allele origin: germline.
Comment: The c.4732-1G>A intronic variant results from a G to A substitution one nucleotide upstream from coding exon 33 of the SMARCA4 gene. This nucleotide position is highly conserved in available vertebrate species. In silico splice site analysis predicts that this alteration will weaken the native splice acceptor site and will result in the creation or strengthening of a novel splice acceptor site. RNA studies have demonstrated that this alteration results in a transcript predicted to lead to a protein with an in-frame deletion of 9 amino acids; however, the exact functional impact of the deleted amino acids is unknown at this time (Ambry internal data). Based on the available evidence, the clinical significance of this alteration remains unclear.

Labcorp Genetics (formerly Invitae), Labcorp
Classification: Likely pathogenic for Rhabdoid tumor predisposition syndrome 2. Last evaluated: 2021-09-28. Review status: criteria provided, single submitter. Criteria: Invitae Variant Classification Sherloc (09022015). Collection method: clinical testing. Allele origin: germline.
Comment: In summary, the currently available evidence indicates that the variant is pathogenic, but additional data are needed to prove that conclusively. Therefore, this variant has been classified as Likely Pathogenic. Algorithms developed to predict the effect of sequence changes on RNA splicing suggest that this variant may disrupt the consensus splice site. This variant has not been reported in the literature in individuals affected with SMARCA4-related conditions. This variant is not present in population databases (ExAC no frequency). This sequence change affects an acceptor splice site in intron 33 of the SMARCA4 gene. It is expected to disrupt RNA splicing. Variants that disrupt the donor or acceptor splice site typically lead to a loss of protein function (PMID: 16199547), and loss-of-function variants in SMARCA4 are known to be pathogenic (PMID: 24658001, 24658002).

Literature cited by the submitters: PubMed 16199547 (cited by Labcorp Genetics (formerly Invitae), Labcorp); PubMed 24658001 (cited by Labcorp Genetics (formerly Invitae), Labcorp); PubMed 24658002 (cited by Labcorp Genetics (formerly Invitae), Labcorp).

NM_003072.5(SMARCA4):c.4636-1G>A

Gene: SMARCA4 (SWI/SNF related BAF chromatin remodeling complex subunit ATPase 4; plus strand). Cytogenetic location: 19p13.2.
Variant type: single nucleotide variant.
Coding change: c.4636-1G>A on transcript NM_003072.5 (MANE Select); the canonical splice acceptor site of the intron before coding-DNA position 4636, G replaced by A.
Molecular consequence: splice acceptor variant.
Genome position (GRCh38, 1-based): chr19:11,059,752, G>A. VCF-style: chr19-11059752-G-A. GRCh37 (hg19) VCF-style: chr19-11170428-G-A.
Other names: c.4636-1G>A (NM_001128844.3); c.4732-1G>A (NM_001128849.3, NM_001387283.1, NM_001128849.1); c.4537-1G>A (NM_001128847.4, NM_001374457.1); c.4633-1G>A (NM_001411150.1); c.4546-1G>A (NM_001128845.2); c.4543-1G>A (NM_001128846.2); c.4534-1G>A (NM_001128848.2).
Identifiers: ClinVar variation 1474826 (VCV001474826.7), dbSNP rs1290351732, ClinGen allele CA404079134.